The following is an entry in ClinVar:

ClinVar aggregate classification (germline): Uncertain significance (1 of 4 stars; one submission).

Conditions:
Greig cephalopolysyndactyly syndrome (GCPS). Also called: POLYSYNDACTYLY WITH PECULIAR SKULL SHAPE; Greig syndrome; GLI3-Related Greig Cephalopolysyndactyly Syndrome. Identifiers: Orphanet 380, MedGen C0265306, MONDO:0008287, OMIM 175700.
Pallister-Hall syndrome (PHS). Also called: HYPOTHALAMIC HAMARTOBLASTOMA, HYPOPITUITARISM, IMPERFORATE ANUS, AND POSTAXIAL POLYDACTYLY; GLI3-Related Pallister-Hall Syndrome. Identifiers: Orphanet 672, MedGen C0265220, MONDO:0007804, OMIM 146510.

Submission:

Labcorp Genetics (formerly Invitae), Labcorp
Classification: Uncertain significance for Pallister-Hall syndrome; Greig cephalopolysyndactyly syndrome. Last evaluated: 2022-01-27. Review status: criteria provided, single submitter. Criteria: Invitae Variant Classification Sherloc (09022015). Collection method: clinical testing. Allele origin: germline.
Comment: In summary, the available evidence is currently insufficient to determine the role of this variant in disease. Therefore, it has been classified as a Variant of Uncertain Significance. Experimental studies and prediction algorithms are not available or were not evaluated, and the functional significance of this variant is currently unknown. This variant has not been reported in the literature in individuals affected with GLI3-related conditions. This variant results in a copy number gain of the genomic region encompassing exon(s) 2 of the GLI3 gene. This region includes the initiator codon of the gene. This copy number gain extends beyond the assayed region for this gene and therefore may encompass additional genes. As the precise location of this event is unknown, it may be in tandem or it may be located elsewhere in the genome.

NC_000007.13:g.(?_42262709)_(42262852_?)dup

Gene: GLI3 (GLI family zinc finger 3; minus strand). Cytogenetic location: 7p14.1.
Variant type: Duplication.
Identifiers: ClinVar variation 2422506 (VCV002422506.4).